The following is an entry in ClinVar:

ClinVar aggregate classification (germline): Benign/Likely benign. Review status: criteria provided, multiple submitters, no conflicts (2 of 4 stars). 10 submissions from 9 submitters: Benign (7); Likely benign (2). 1 of the submissions does not count toward it. Last evaluated 2026-09-01.

Conditions:
Atypical hemolytic-uremic syndrome. Identifiers: Orphanet 2134, MedGen C2931788, MONDO:0016244.
Macular degeneration. Also called: Degenerative disorder of macula. Identifiers: MedGen C0024437, MONDO:0003004, HP:0000608.
Atypical hemolytic-uremic syndrome with B factor anomaly. Also called: HEMOLYTIC UREMIC SYNDROME, ATYPICAL, SUSCEPTIBILITY TO, 4; AHUS, SUSCEPTIBILITY TO, 4. Identifiers: Orphanet 2134, MedGen C2752038, MONDO:0013042, OMIM 612924.
CFB-related disorder. Also called: CFB-related condition; CFB-related disorders.

Allele frequency attached by ClinVar (database versions not stated): ExAC 0.01074; gnomAD exomes 0.01074 and 0.01193; 1000 Genomes Project 0.01597; 1000 Genomes Project 30x 0.01655; gnomAD 0.01772 and 0.01851; TOPMed 0.02004; ESP Exome Variant Server 0.02217.
gnomAD v4.1: 20,062 of 1,613,060 alleles (1.2%); highest among the groups gnomAD compares: African/African-American, 3.4%; 218 homozygotes.

Submissions (10):

CeGaT Center for Human Genetics Tuebingen
Classification: Benign. Last evaluated: 2026-09-01. Review status: criteria provided, single submitter. Criteria: CeGaT Center For Human Genetics Tuebingen Variant Classification Criteria Version 2. Collection method: clinical testing. Allele origin: germline. Affected: yes. Observed: 4 variant alleles.
Comment: CFB: BP4, BS1, BS2

Labcorp Genetics (formerly Invitae), Labcorp
Classification: Benign. Last evaluated: 2026-02-03. Review status: criteria provided, single submitter. Criteria: Invitae Variant Classification Sherloc (09022015). Collection method: clinical testing. Allele origin: germline.

Women's Health and Genetics/Laboratory Corporation of America, LabCorp
Classification: Likely benign. Last evaluated: 2026-01-22. Review status: criteria provided, single submitter. Criteria: LabCorp Variant Classification Summary - May 2015. Collection method: clinical testing. Allele origin: germline.

Genomenon, Inc
Classification: Benign for Atypical hemolytic-uremic syndrome. Last evaluated: 2025-09-26. Review status: criteria provided, single submitter. Criteria: Genomenon Sequence Variant Interpretation Standards - Updated. Collection method: curation. Allele origin: germline. Affected: no.
Comment: CFB p.Lys565Glu (c.1693A>G) is a missense variant that changes the amino acid at residue 565 from Lysine to Glutamic acid. This variant is present at high allele frequency in population databases. In conclusion, we classify CFB p.Lys565Glu (c.1693A>G) as a benign variant.

Blueprint Genetics
Classification: Likely benign. Last evaluated: 2024-11-25. Review status: criteria provided, single submitter. Criteria: ACMG Guidelines, 2015. Collection method: clinical testing. Allele origin: germline.

Mayo Clinic Laboratories, Mayo Clinic
Classification: Benign. Last evaluated: 2022-09-29. Review status: criteria provided, single submitter. Criteria: ACMG Guidelines, 2015. Collection method: clinical testing. Allele origin: germline. Observed: 121 variant alleles.
Comment: BS1, BS2

Genome Diagnostics Laboratory, The Hospital for Sick Children
Classification: Benign for Atypical hemolytic-uremic syndrome. Last evaluated: 2022-07-08. Review status: criteria provided, single submitter. Criteria: ACMG Guidelines, 2015. Collection method: clinical testing. Allele origin: germline.

Illumina Laboratory Services, Illumina
Classification: Benign for Macular degeneration. Last evaluated: 2018-01-12. Review status: criteria provided, single submitter. Criteria: ICSL Variant Classification Criteria 13 December 2019. Collection method: clinical testing. Allele origin: germline.
Comment: This variant was observed in the ICSL laboratory as part of a predisposition screen in an ostensibly healthy population. It had not been previously curated by ICSL or reported in the Human Gene Mutation Database (HGMD: prior to June 1st, 2018), and was therefore a candidate for classification through an automated scoring system. Utilizing variant allele frequency, disease prevalence and penetrance estimates, and inheritance mode, an automated score was calculated to assess if this variant is too frequent to cause the disease. Based on the score and internal cut-off values, a variant classified as benign is not then subjected to further curation. The score for this variant resulted in a classification of benign for this disease.

Illumina Laboratory Services, Illumina
Classification: Benign for Atypical hemolytic-uremic syndrome with B factor anomaly. Last evaluated: 2018-01-12. Review status: criteria provided, single submitter. Criteria: ICSL Variant Classification Criteria 13 December 2019. Collection method: clinical testing. Allele origin: germline.
Comment: the same text as in the submission from Illumina Laboratory Services, Illumina above.

PreventionGenetics, part of Exact Sciences
Classification: Benign for CFB-related condition. Last evaluated: 2019-04-01. Review status: no assertion criteria provided. Collection method: clinical testing. Allele origin: germline. Not counted in ClinVar's aggregate classification.
Comment: This variant is classified as benign based on ACMG/AMP sequence variant interpretation guidelines (Richards et al. 2015 PMID: 25741868, with internal and published modifications).

NM_001710.6(CFB):c.1693A>G (p.Lys565Glu)

Gene: CFB (complement factor B; plus strand). Cytogenetic location: 6p21.33.
Variant type: single nucleotide variant.
Coding change: c.1693A>G on transcript NM_001710.6 (MANE Select); coding-DNA position 1693, A replaced by G.
Protein change: p.Lys565Glu; replaces lysine 565 with glutamic acid.
Molecular consequence: missense variant.
Genome position (GRCh38, 1-based): chr6:31,950,687, A>G. VCF-style: chr6-31950687-A-G. GRCh37 (hg19) VCF-style: chr6-31918464-A-G.
Other names: short protein forms K565E.
Identifiers: ClinVar variation 356292 (VCV000356292.34), dbSNP rs4151659, ClinGen allele CA3728432.